The following is an entry in ClinVar:

ClinVar aggregate classification (germline): Conflicting classifications of pathogenicity. Review status: criteria provided, conflicting classifications (1 of 4 stars). 3 submissions from 3 submitters: Uncertain significance (1); Likely benign (1). 1 of the submissions does not count toward it. Last evaluated 2024-06-27.

Conditions:
Deficiency of ferroxidase (ACEP). Also called: NEURODEGENERATION WITH BRAIN IRON ACCUMULATION 10; Aceruloplasminemia; Ceruloplasmin deficiency; Familial apoceruloplasmin deficiency; Hereditary ceruloplasmin deficiency; Deficiency of ceruloplasmin. Identifiers: Orphanet 48818, MedGen C0878682, MONDO:0011426, OMIM 604290, HP:0025498.
CP-related disorder. Also called: CP-related condition.

Allele frequency attached by ClinVar (database versions not stated): gnomAD 0.00005; ESP Exome Variant Server 0.00031; ExAC 0.00009; TOPMed 0.00006; gnomAD exomes 0.00013 and 0.00012.
gnomAD v4.1: 205 of 1,613,826 alleles (0.013%); highest among the groups gnomAD compares: Non-Finnish European, 0.015%; no homozygotes.

Submissions (3):

Labcorp Genetics (formerly Invitae), Labcorp
Classification: Likely benign for Deficiency of ferroxidase. Last evaluated: 2024-06-27. Review status: criteria provided, single submitter. Criteria: Invitae Variant Classification Sherloc (09022015). Collection method: clinical testing. Allele origin: germline.

Illumina Laboratory Services, Illumina
Classification: Uncertain significance for Deficiency of ferroxidase. Last evaluated: 2018-01-13. Review status: criteria provided, single submitter. Criteria: ICSL Variant Classification Criteria 13 December 2019. Collection method: clinical testing. Allele origin: germline.

PreventionGenetics, part of Exact Sciences
Classification: Likely benign for CP-related condition. Last evaluated: 2019-06-05. Review status: no assertion criteria provided. Collection method: clinical testing. Allele origin: germline. Not counted in ClinVar's aggregate classification.
Comment: This variant is classified as likely benign based on ACMG/AMP sequence variant interpretation guidelines (Richards et al. 2015 PMID: 25741868, with internal and published modifications).

NM_000096.4(CP):c.1131C>T (p.Ala377=)

Gene: CP (ceruloplasmin; minus strand). Cytogenetic location: 3q25.1.
Variant type: single nucleotide variant.
Coding change: c.1131C>T on transcript NM_000096.4 (MANE Select); coding-DNA position 1131, C replaced by T.
Protein change: p.Ala377=; no amino-acid change (alanine 377 retained).
Molecular consequence: synonymous variant. On other transcripts: non-coding transcript variant (1).
Genome position (GRCh38, 1-based): chr3:149,206,245, G>A on the plus strand (C>T on the coding strand, the complement: CP is on the minus strand). VCF-style: chr3-149206245-G-A. GRCh37 (hg19) VCF-style: chr3-148924032-G-A.
Identifiers: ClinVar variation 900928 (VCV000900928.15), dbSNP rs150733154, ClinGen allele CA2661134.